The following is an entry in ClinVar:

ClinVar aggregate classification (germline): Likely benign. Review status: criteria provided, multiple submitters, no conflicts (2 of 4 stars). 2 submissions from 2 submitters: Likely benign (2). Last evaluated 2025-07-31.

Conditions:
FITM2-related disorder. Also called: FITM2-related condition.

Allele frequency attached by ClinVar (database versions not stated): TOPMed 0.00002; gnomAD 0.00005.

Submissions (2):

PreventionGenetics, part of Exact Sciences
Classification: Likely benign for FITM2-related condition. Last evaluated: 2025-07-31. Review status: criteria provided, single submitter. Criteria: ACMG Guidelines, 2015. Collection method: clinical testing. Allele origin: germline.
Comment: This variant is classified as likely benign based on ACMG/AMP sequence variant interpretation guidelines (Richards et al. 2015 PMID: 25741868, with internal and published modifications).

CeGaT Center for Human Genetics Tuebingen
Classification: Likely benign. Last evaluated: 2022-04-01. Review status: criteria provided, single submitter. Criteria: CeGaT Center For Human Genetics Tuebingen Variant Classification Criteria Version 2. Collection method: clinical testing. Allele origin: germline. Affected: yes. Observed: 1 variant allele.
Comment: FITM2: BP4, BP7

NM_001080472.4(FITM2):c.354G>A (p.Thr118=)

Gene: FITM2 (fat storage inducing transmembrane protein 2; minus strand). Cytogenetic location: 20q13.12.
Variant type: single nucleotide variant.
Coding change: c.354G>A on transcript NM_001080472.4 (MANE Select); coding-DNA position 354, G replaced by A.
Protein change: p.Thr118=; no amino-acid change (threonine 118 retained).
Molecular consequence: synonymous variant.
Genome position (GRCh38, 1-based): chr20:44,307,060, C>T on the plus strand (G>A on the coding strand, the complement: FITM2 is on the minus strand). VCF-style: chr20-44307060-C-T. GRCh37 (hg19) VCF-style: chr20-42935700-C-T.
Other names: c.354G>A (NM_001080472.3).
Identifiers: ClinVar variation 1695015 (VCV001695015.32), dbSNP rs990943873, ClinGen allele CA315392874.